The following is an entry in ClinVar:

ClinVar aggregate classification (germline): Uncertain significance (1 of 4 stars; one submission).

Submission:

Labcorp Genetics (formerly Invitae), Labcorp
Classification: Uncertain significance. Last evaluated: 2022-10-13. Review status: criteria provided, single submitter. Criteria: Invitae Variant Classification Sherloc (09022015). Collection method: clinical testing. Allele origin: unknown.
Comment: In summary, the available evidence is currently insufficient to determine the role of this variant in disease. Therefore, it has been classified as a Variant of Uncertain Significance. This variant has not been reported in the literature in individuals affected with ASRGL1-related conditions. A copy number gain of the genomic region encompassing the full coding sequence of the ASRGL1 gene has been identified. The boundaries of this event are unknown as they extend beyond the assayed region for this gene and therefore may encompass additional genes. As the precise location of this event is unknown, it may be in tandem or it may be located elsewhere in the genome.

NC_000011.9:g.(?_62105450)_(62414071_?)dup

Genes: AHNAK (AHNAK nucleoprotein; minus strand), ASRGL1 (asparaginase and isoaspartyl peptidase 1; plus strand), B3GAT3 (beta-1,3-glucuronyltransferase 3; minus strand), EEF1G (eukaryotic translation elongation factor 1 gamma; minus strand), EML3 (EMAP like 3; minus strand) and 5 more. Cytogenetic location: 11q12.3.
Variant type: Duplication.
Identifiers: ClinVar variation 3244738 (VCV003244738.1).